The following is an entry in ClinVar:

ClinVar aggregate classification (germline): Pathogenic (1 of 4 stars; one submission).

Conditions:
Spermatogenic failure 18. Identifiers: MedGen C4539783, MONDO:0054615, OMIM 617576.
Ciliary dyskinesia, primary, 37 (CILD37). Also called: CILIARY DYSKINESIA, PRIMARY, 37, WITH OR WITHOUT SITUS INVERSUS. Identifiers: MedGen C4539798, MONDO:0033204, OMIM 617577.

Submission:

Labcorp Genetics (formerly Invitae), Labcorp
Classification: Pathogenic for Ciliary dyskinesia, primary, 37; Spermatogenic failure 18. Last evaluated: 2022-05-26. Review status: criteria provided, single submitter. Criteria: Invitae Variant Classification Sherloc (09022015). Collection method: clinical testing. Allele origin: germline.
Comment: This variant has not been reported in the literature in individuals affected with DNAH1-related conditions. This variant is not present in population databases (gnomAD no frequency). This sequence change creates a premature translational stop signal (p.Gln176*) in the DNAH1 gene. It is expected to result in an absent or disrupted protein product. Loss-of-function variants in DNAH1 are known to be pathogenic (PMID: 27573432, 27798045). Algorithms developed to predict the effect of sequence changes on RNA splicing suggest that this variant may create or strengthen a splice site. For these reasons, this variant has been classified as Pathogenic.

Literature cited by the submitters: PubMed 27573432; PubMed 27798045.

NM_015512.5(DNAH1):c.526C>T (p.Gln176Ter)

Gene: DNAH1 (dynein axonemal heavy chain 1; plus strand). Cytogenetic location: 3p21.1.
Variant type: single nucleotide variant.
Coding change: c.526C>T on transcript NM_015512.5 (MANE Select); coding-DNA position 526, C replaced by T.
Protein change: p.Gln176Ter; replaces glutamine 176 with a stop codon.
Molecular consequence: nonsense.
Genome position (GRCh38, 1-based): chr3:52,326,259, C>T. VCF-style: chr3-52326259-C-T. GRCh37 (hg19) VCF-style: chr3-52360275-C-T.
Other names: short protein forms Q176*.
Identifiers: ClinVar variation 1988199 (VCV001988199.4), dbSNP rs2471131093, ClinGen allele CA353087470.